The following is an entry in ClinVar:

NM_015692.5(CPAMD8):c.1205G>A (p.Arg402His)

Gene: CPAMD8 (C3 and PZP like alpha-2-macroglobulin domain containing 8; minus strand). Cytogenetic location: 19p13.11.
Variant type: single nucleotide variant.
Coding change: c.1205G>A on transcript NM_015692.5 (MANE Select); coding-DNA position 1205, G replaced by A.
Protein change: p.Arg402His; replaces arginine 402 with histidine.
Molecular consequence: missense variant. On other transcripts: non-coding transcript variant (1).
Genome position (GRCh38, 1-based): chr19:16,993,477, C>T on the plus strand (G>A on the coding strand, the complement: CPAMD8 is on the minus strand). VCF-style: chr19-16993477-C-T. GRCh37 (hg19) VCF-style: chr19-17104287-C-T.
Other names: c.1346G>A (NM_015692.2); short protein forms R402H.
Identifiers: ClinVar variation 2702702 (VCV002702702.4), dbSNP rs577394412, ClinGen allele CA9285797.
Genomic context (GRCh38, chr19:16,993,477, plus strand): 5'-TCCAGCCACACGTGCTGGGCTGACGTGGGGATGGAGGGGATTTCAAACCCCACTAGTCCA[C>T]GCTGGGACACAACTTCACTGGTGTAGATGTTATCCTTTGGTGTCAGCTCTGCCTTAATCT-3'
Protein context (NP_056507.3, residues 392-412): NIYTSEVVSQ[Arg402His]GLVGFEIPSI

ClinVar aggregate classification (germline): Uncertain significance. Review status: criteria provided, multiple submitters, no conflicts (2 of 4 stars). 2 submissions from 2 submitters: Uncertain significance (2). Last evaluated 2024-04-23.

Conditions:
Inborn genetic diseases. Identifiers: MedGen C0950123, MeSH D030342.

Allele frequency attached by ClinVar (database versions not stated): gnomAD exomes 0.00009; ExAC 0.00020; gnomAD 0.00020; 1000 Genomes Project 30x 0.00031; TOPMed 0.00033; 1000 Genomes Project 0.00040.
gnomAD v4.1: 162 of 1,614,018 alleles (0.01%); highest among the groups gnomAD compares: Admixed American, 0.075%; no homozygotes.

Submissions (2):

Ambry Genetics
Classification: Uncertain significance for Inborn genetic diseases. Last evaluated: 2024-04-23. Review status: criteria provided, single submitter. Criteria: Ambry Variant Classification Scheme 2023. Collection method: clinical testing. Allele origin: germline.

Labcorp Genetics (formerly Invitae), Labcorp
Classification: Uncertain significance. Last evaluated: 2024-01-30. Review status: criteria provided, single submitter. Criteria: Invitae Variant Classification Sherloc (09022015). Collection method: clinical testing. Allele origin: germline.
Comment: This sequence change replaces arginine, which is basic and polar, with histidine, which is basic and polar, at codon 449 of the CPAMD8 protein (p.Arg449His). This variant is present in population databases (rs577394412, gnomAD 0.09%). This variant has not been reported in the literature in individuals affected with CPAMD8-related conditions. An algorithm developed to predict the effect of missense changes on protein structure and function (PolyPhen-2) suggests that this variant is likely to be tolerated. In summary, the available evidence is currently insufficient to determine the role of this variant in disease. Therefore, it has been classified as a Variant of Uncertain Significance.